The following is an entry in ClinVar:

NM_024675.4(PALB2):c.1551dup (p.Ser518fs)

Gene: PALB2 (partner and localizer of BRCA2; minus strand). Cytogenetic location: 16p12.2.
Variant type: Duplication.
Coding change: c.1551dup on transcript NM_024675.4 (MANE Select); coding-DNA position 1551, one base duplicated (A; older notation c.1551dupA).
Protein change: p.Ser518fs; shifts the reading frame from serine 518.
Molecular consequence: frameshift variant. On other transcripts: intron variant (3).
Genome position (GRCh38, 1-based): chr16:23,634,995, T duplicated on the plus strand (A on the coding strand, the reverse complement: PALB2 is on the minus strand); the first of 4 consecutive T bases (chr16:23,634,995-23,634,998); duplicating any one gives the same sequence. VCF-style (leftmost placement, unchanged base first): chr16-23634994-A-AT. GRCh37 (hg19) VCF-style: chr16-23646315-A-AT.
Other names: c.1491dup, p.Ser498fs (NM_001407296.1); c.1551dup, p.Ser518fs (NM_001407297.1, NM_001407298.1, NM_001407299.1 and 3 more transcripts); c.666dup, p.Ser223fs (NM_001407304.1, NM_001407305.1, NM_001407306.1 and 5 more transcripts); c.49-5720dup (NM_001407314.1); c.-104-4526dup (NM_001407313.1, NM_001407312.1); short protein forms S223fs, S498fs, S518fs.
Identifiers: ClinVar variation 2674124 (VCV002674124.1), dbSNP rs1597095683, ClinGen allele CA2695197460.

ClinVar aggregate classification (germline): Pathogenic (1 of 4 stars; one submission).

Conditions:
Familial cancer of breast. Also called: Hereditary breast cancer; BREAST CANCER, FAMILIAL; hereditary breast carcinoma. Identifiers: Orphanet 227535, MedGen C0346153, MONDO:0016419, OMIM 114480. Disease mechanism: loss of function.

Submission:

Myriad Genetics, Inc.
Classification: Pathogenic for Familial cancer of breast. Last evaluated: 2023-09-11. Review status: criteria provided, single submitter. Criteria: Myriad Autosomal Dominant, Autosomal Recessive and X-Linked Classification Criteria (2023). Collection method: clinical testing. Allele origin: unknown.
Comment: This variant is considered pathogenic. This variant creates a frameshift predicted to result in premature protein truncation.